The following is an entry in ClinVar:

ClinVar aggregate classification (germline): Pathogenic (1 of 4 stars; one submission).

Submission:

GeneDx
Classification: Pathogenic. Last evaluated: 2025-07-13. Review status: criteria provided, single submitter. Criteria: GeneDx Variant Classification Process June 2021. Collection method: clinical testing. Allele origin: germline. Affected: yes.
Comment: Nonsense variant predicted to result in protein truncation or nonsense mediated decay in a gene for which loss of function is a known mechanism of disease; Not observed at significant frequency in large population cohorts (gnomAD); Has not been previously published as pathogenic or benign to our knowledge

NM_005378.6(MYCN):c.558C>A (p.Cys186Ter)

Gene: MYCN (MYCN proto-oncogene, bHLH transcription factor; plus strand). Cytogenetic location: 2p24.3.
Variant type: single nucleotide variant.
Coding change: c.558C>A on transcript NM_005378.6 (MANE Select); coding-DNA position 558, C replaced by A.
Protein change: p.Cys186Ter; replaces cysteine 186 with a stop codon.
Molecular consequence: nonsense. On other transcripts: 3 prime UTR variant (1), intron variant (1).
Genome position (GRCh38, 1-based): chr2:15,942,622, C>A. VCF-style: chr2-15942622-C-A. GRCh37 (hg19) VCF-style: chr2-16082744-C-A.
Other names: c.558C>A, p.Cys186Ter (NM_001293228.2); c.*493C>A (NM_001293233.2); c.157+1879C>A (NM_001293231.2); short protein forms C186*.
Identifiers: ClinVar variation 4686160 (VCV004686160.1).
Genomic context (GRCh38, chr2:15,942,622, plus strand): 5'-GGGAGCCGGCCGCGCCGGGGCCGCCCTGCCCGCCGAGCTCGCCCACCCGGCCGCCGAGTG[C>A]GTGGATCCCGCCGTGGTCTTCCCCTTTCCCGTGAACAAGCGCGAGCCAGCGCCCGTGCCC-3'